The following is an entry in ClinVar:

NM_005732.4(RAD50):c.1187T>G (p.Phe396Cys)

Gene: RAD50 (RAD50 double strand break repair protein; plus strand). Cytogenetic location: 5q31.1.
Variant type: single nucleotide variant.
Coding change: c.1187T>G on transcript NM_005732.4 (MANE Select); coding-DNA position 1187, T replaced by G.
Protein change: p.Phe396Cys; replaces phenylalanine 396 with cysteine.
Molecular consequence: missense variant.
Genome position (GRCh38, 1-based): chr5:132,588,822, T>G. VCF-style: chr5-132588822-T-G. GRCh37 (hg19) VCF-style: chr5-131924514-T-G.
Other names: short protein forms F396C.
Identifiers: ClinVar variation 1019390 (VCV001019390.9), dbSNP rs1750645029, ClinGen allele CA360942850.

ClinVar aggregate classification (germline): Uncertain significance (1 of 4 stars; one submission).

Conditions:
Hereditary cancer-predisposing syndrome. Also called: Tumor predisposition; Neoplastic Syndromes, Hereditary; Hereditary neoplastic syndrome; Hereditary Cancer Syndrome. Identifiers: Orphanet 140162, MedGen C0027672, MeSH D009386, MONDO:0015356.

Submission:

Labcorp Genetics (formerly Invitae), Labcorp
Classification: Uncertain significance for Hereditary cancer-predisposing syndrome. Last evaluated: 2020-05-12. Review status: criteria provided, single submitter. Criteria: Invitae Variant Classification Sherloc (09022015). Collection method: clinical testing. Allele origin: germline.
Comment: This variant is not present in population databases (ExAC no frequency). In summary, the available evidence is currently insufficient to determine the role of this variant in disease. Therefore, it has been classified as a Variant of Uncertain Significance. Algorithms developed to predict the effect of missense changes on protein structure and function (SIFT, PolyPhen-2, Align-GVGD) all suggest that this variant is likely to be disruptive, but these predictions have not been confirmed by published functional studies and their clinical significance is uncertain. This variant has not been reported in the literature in individuals with RAD50-related conditions. This sequence change replaces phenylalanine with cysteine at codon 396 of the RAD50 protein (p.Phe396Cys). The phenylalanine residue is highly conserved and there is a large physicochemical difference between phenylalanine and cysteine.